The following is an entry in ClinVar:

ClinVar aggregate classification (germline): Uncertain significance. Review status: criteria provided, multiple submitters, no conflicts (2 of 4 stars). 3 submissions from 3 submitters: Uncertain significance (3). Last evaluated 2024-06-15.

Conditions:
Hereditary cancer-predisposing syndrome. Also called: Hereditary neoplastic syndrome; Neoplastic Syndromes, Hereditary; Hereditary Cancer Syndrome; Tumor predisposition. Identifiers: Orphanet 140162, MedGen C0027672, MeSH D009386, MONDO:0015356.
Juvenile polyposis syndrome (JPS). Identifiers: Orphanet 2929, MedGen C0345893, MONDO:0017380, OMIM 174900.

Submissions (3):

Ambry Genetics
Classification: Uncertain significance for Hereditary cancer-predisposing syndrome. Last evaluated: 2024-06-15. Review status: criteria provided, single submitter. Criteria: Ambry Variant Classification Scheme 2023. Collection method: clinical testing. Allele origin: germline.
Comment: The p.L15F variant (also known as c.45G>C), located in coding exon 1 of the BMPR1A gene, results from a G to C substitution at nucleotide position 45. The leucine at codon 15 is replaced by phenylalanine, an amino acid with highly similar properties. This amino acid position is conserved. In addition, this alteration is predicted to be tolerated by in silico analysis. Based on the available evidence, the clinical significance of this variant remains unclear.

Labcorp Genetics (formerly Invitae), Labcorp
Classification: Uncertain significance for Juvenile polyposis syndrome. Last evaluated: 2021-08-23. Review status: criteria provided, single submitter. Criteria: Invitae Variant Classification Sherloc (09022015). Collection method: clinical testing. Allele origin: germline.
Comment: ClinVar contains an entry for this variant (Variation ID: 1172388). This variant has not been reported in the literature in individuals affected with BMPR1A-related conditions. This variant is not present in population databases (ExAC no frequency). This sequence change replaces leucine with phenylalanine at codon 15 of the BMPR1A protein (p.Leu15Phe). The leucine residue is highly conserved and there is a small physicochemical difference between leucine and phenylalanine. Advanced modeling of protein sequence and biophysical properties (such as structural, functional, and spatial information, amino acid conservation, physicochemical variation, residue mobility, and thermodynamic stability) performed at Invitae indicates that this missense variant is not expected to disrupt BMPR1A protein function. In summary, the available evidence is currently insufficient to determine the role of this variant in disease. Therefore, it has been classified as a Variant of Uncertain Significance.

Color Diagnostics, LLC DBA Color Health
Classification: Uncertain significance for Hereditary cancer-predisposing syndrome. Last evaluated: 2020-09-28. Review status: criteria provided, single submitter. Criteria: ACMG Guidelines, 2015. Collection method: clinical testing. Allele origin: germline.
Comment: This missense variant replaces leucine with phenylalanine at codon 15 of the BMPR1A protein. Computational prediction suggests that this variant may not impact protein structure and function (internally defined REVEL score threshold <= 0.5, PMID: 27666373). To our knowledge, functional studies have not been reported for this variant. This variant has not been reported in individuals affected with hereditary cancer in the literature. This variant has not been identified in the general population by the Genome Aggregation Database (gnomAD). The available evidence is insufficient to determine the role of this variant in disease conclusively. Therefore, this variant is classified as a Variant of Uncertain Significance.

NM_004329.3(BMPR1A):c.45G>C (p.Leu15Phe)

Gene: BMPR1A (bone morphogenetic protein receptor type 1A; plus strand). Cytogenetic location: 10q23.2.
Variant type: single nucleotide variant.
Coding change: c.45G>C on transcript NM_004329.3 (MANE Select); coding-DNA position 45, G replaced by C.
Protein change: p.Leu15Phe; replaces leucine 15 with phenylalanine.
Molecular consequence: missense variant.
Genome position (GRCh38, 1-based): chr10:86,876,063, G>C. VCF-style: chr10-86876063-G-C. GRCh37 (hg19) VCF-style: chr10-88635820-G-C.
Other names: short protein forms L15F.
Identifiers: ClinVar variation 1172388 (VCV001172388.9), dbSNP rs2133321682, ClinGen allele CA377774832.